The following is an entry in ClinVar:

NM_012470.4(TNPO3):c.-152G>A

Genes: TNPO3 (transportin 3; minus strand), LOC129999289 (ATAC-STARR-seq lymphoblastoid active region 26616; plus strand). Cytogenetic location: 7q32.1.
Variant type: single nucleotide variant.
Coding change: c.-152G>A on transcript NM_012470.4 (MANE Select); 152 bases upstream of the start codon, G replaced by A.
Molecular consequence: 5 prime UTR variant. On other transcripts: non-coding transcript variant (18).
Genome position (GRCh38, 1-based): chr7:129,054,922, C>T on the plus strand (G>A on the coding strand, the complement: TNPO3 is on the minus strand). VCF-style: chr7-129054922-C-T. GRCh37 (hg19) VCF-style: chr7-128694976-C-T.
Other names: c.-152G>A (NM_001191028.3, NM_001382216.1, NM_001382217.1 and 6 more transcripts).
Identifiers: ClinVar variation 670752 (VCV000670752.2), dbSNP rs2242028, ClinGen allele CA12704233.

ClinVar aggregate classification (germline): Benign. Review status: criteria provided, multiple submitters, no conflicts (2 of 4 stars). 2 submissions from 2 submitters: Benign (2). Last evaluated 2018-06-14.

Allele frequency attached by ClinVar (database versions not stated): 1000 Genomes Project 30x 0.64225; 1000 Genomes Project 0.64517; TOPMed 0.71354; gnomAD 0.72294 and 0.72652; gnomAD exomes 0.75825.
gnomAD v4.1: 742,515 of 986,700 alleles (75%); highest among the groups gnomAD compares: Middle Eastern, 81%; 282,716 homozygotes.

Submissions (2):

GeneDx
Classification: Benign. Last evaluated: 2018-06-14. Review status: criteria provided, single submitter. Criteria: GeneDx Variant Classification (06012015). Collection method: clinical testing. Allele origin: germline. Affected: yes.
Comment: This variant is considered likely benign or benign based on one or more of the following criteria: it is a conservative change, it occurs at a poorly conserved position in the protein, it is predicted to be benign by multiple in silico algorithms, and/or has population frequency not consistent with disease.

Breakthrough Genomics
Classification: Benign. Review status: criteria provided, single submitter. Criteria: ACMG Guidelines, 2015. Collection method: not provided. Allele origin: germline. Inheritance: Autosomal dominant inheritance. Affected: yes.